The following is an entry in ClinVar:

NM_000326.5(RLBP1):c.56G>T (p.Arg19Leu)

Gene: RLBP1 (retinaldehyde binding protein 1; minus strand). Cytogenetic location: 15q26.1.
Variant type: single nucleotide variant.
Coding change: c.56G>T on transcript NM_000326.5 (MANE Select); coding-DNA position 56, G replaced by T.
Protein change: p.Arg19Leu; replaces arginine 19 with leucine.
Molecular consequence: missense variant.
Genome position (GRCh38, 1-based): chr15:89,218,650, C>A on the plus strand (G>T on the coding strand, the complement: RLBP1 is on the minus strand). VCF-style: chr15-89218650-C-A. GRCh37 (hg19) VCF-style: chr15-89761881-C-A.
Other names: short protein forms R19L.
Identifiers: ClinVar variation 1502165 (VCV001502165.5), dbSNP rs375609386, ClinGen allele CA393731833.

ClinVar aggregate classification (germline): Uncertain significance (1 of 4 stars; one submission).

Submission:

Labcorp Genetics (formerly Invitae), Labcorp
Classification: Uncertain significance. Last evaluated: 2021-08-26. Review status: criteria provided, single submitter. Criteria: Invitae Variant Classification Sherloc (09022015). Collection method: clinical testing. Allele origin: germline.
Comment: This sequence change replaces arginine with leucine at codon 19 of the RLBP1 protein (p.Arg19Leu). The arginine residue is moderately conserved and there is a moderate physicochemical difference between arginine and leucine. This variant is not present in population databases (ExAC no frequency). This variant has not been reported in the literature in individuals affected with RLBP1-related conditions. Algorithms developed to predict the effect of missense changes on protein structure and function are either unavailable or do not agree on the potential impact of this missense change (SIFT: "Deleterious"; PolyPhen-2: "Possibly Damaging"; Align-GVGD: "Class C0"). In summary, the available evidence is currently insufficient to determine the role of this variant in disease. Therefore, it has been classified as a Variant of Uncertain Significance.